The following is an entry in ClinVar:

NM_000535.7(PMS2):c.1792C>G (p.Gln598Glu)

Gene: PMS2 (PMS1 homolog 2, mismatch repair system component; minus strand). Cytogenetic location: 7p22.1.
Variant type: single nucleotide variant.
Coding change: c.1792C>G on transcript NM_000535.7 (MANE Select); coding-DNA position 1792, C replaced by G.
Protein change: p.Gln598Glu; replaces glutamine 598 with glutamic acid.
Molecular consequence: missense variant. On other transcripts: non-coding transcript variant (1).
Genome position (GRCh38, 1-based): chr7:5,986,973, G>C on the plus strand (C>G on the coding strand, the complement: PMS2 is on the minus strand). VCF-style: chr7-5986973-G-C. GRCh37 (hg19) VCF-style: chr7-6026604-G-C.
Other names: c.1387C>G, p.Gln463Glu (NM_001018040.1, NM_001322003.2, NM_001322004.2 and 17 more transcripts); c.1636C>G, p.Gln546Glu (NM_001322006.2, NM_001406870.1); c.1474C>G, p.Gln492Glu (NM_001322007.2, NM_001322008.2, NM_001406876.1 and 2 more transcripts); c.1231C>G, p.Gln411Glu (NM_001322010.2, NM_001406906.1, NM_001406907.1); c.859C>G, p.Gln287Glu (NM_001322011.2, NM_001322012.2); c.1219C>G, p.Gln407Glu (NM_001322013.2, NM_001406909.1); c.1792C>G, p.Gln598Glu (NM_001322014.2, NM_001406871.1, NM_001406872.1); c.1483C>G, p.Gln495Glu (NM_001406877.1, NM_001406878.1, NM_001406879.1 and 5 more transcripts); and 12 more; short protein forms Q287E, Q495E, Q546E, Q427E, Q440E, Q443E, Q463E, Q476E.
Identifiers: ClinVar variation 1780209 (VCV001780209.5), dbSNP rs1782978316, ClinGen allele CA366739834.

ClinVar aggregate classification (germline): Conflicting classifications of pathogenicity. Review status: criteria provided, conflicting classifications (1 of 4 stars). 2 submissions from 2 submitters: Uncertain significance (1); Likely benign (1). Last evaluated 2026-08-17.

Conditions:
Hereditary cancer-predisposing syndrome. Also called: Hereditary Cancer Syndrome; Hereditary neoplastic syndrome; Neoplastic Syndromes, Hereditary; Tumor predisposition. Identifiers: Orphanet 140162, MedGen C0027672, MeSH D009386, MONDO:0015356.
Hereditary nonpolyposis colorectal neoplasms. Identifiers: MedGen C0009405, MeSH D003123.

Submissions (2):

Ambry Genetics
Classification: Likely benign for Hereditary cancer-predisposing syndrome. Last evaluated: 2026-08-17. Review status: criteria provided, single submitter. Criteria: Ambry Variant Classification Scheme 2023. Collection method: clinical testing. Allele origin: germline.

Labcorp Genetics (formerly Invitae), Labcorp
Classification: Uncertain significance for Hereditary nonpolyposis colorectal neoplasms. Last evaluated: 2024-04-16. Review status: criteria provided, single submitter. Criteria: Invitae Variant Classification Sherloc (09022015). Collection method: clinical testing. Allele origin: germline.
Comment: This sequence change replaces glutamine, which is neutral and polar, with glutamic acid, which is acidic and polar, at codon 598 of the PMS2 protein (p.Gln598Glu). This variant is not present in population databases (gnomAD no frequency). This variant has not been reported in the literature in individuals affected with PMS2-related conditions. ClinVar contains an entry for this variant (Variation ID: 1780209). Advanced modeling of protein sequence and biophysical properties (such as structural, functional, and spatial information, amino acid conservation, physicochemical variation, residue mobility, and thermodynamic stability) performed at Invitae indicates that this missense variant is not expected to disrupt PMS2 protein function with a negative predictive value of 80%. In summary, the available evidence is currently insufficient to determine the role of this variant in disease. Therefore, it has been classified as a Variant of Uncertain Significance.